The following is an entry in ClinVar:

ClinVar aggregate classification (germline): Uncertain significance (1 of 4 stars; one submission).

Submission:

Labcorp Genetics (formerly Invitae), Labcorp
Classification: Uncertain significance. Last evaluated: 2025-04-18. Review status: criteria provided, single submitter. Criteria: Invitae Variant Classification Sherloc (09022015). Collection method: clinical testing. Allele origin: germline.
Comment: This sequence change replaces proline, which is neutral and non-polar, with alanine, which is neutral and non-polar, at codon 650 of the C6 protein (p.Pro650Ala). This variant is not present in population databases (gnomAD no frequency). This variant has not been reported in the literature in individuals affected with C6-related conditions. An algorithm developed to predict the effect of missense changes on protein structure and function (PolyPhen-2) suggests that this variant is likely to be disruptive. In summary, the available evidence is currently insufficient to determine the role of this variant in disease. Therefore, it has been classified as a Variant of Uncertain Significance.

NM_000065.5(C6):c.1948C>G (p.Pro650Ala)

Gene: C6 (complement C6; minus strand). Cytogenetic location: 5p13.1.
Variant type: single nucleotide variant.
Coding change: c.1948C>G on transcript NM_000065.5 (MANE Select); coding-DNA position 1948, C replaced by G.
Protein change: p.Pro650Ala; replaces proline 650 with alanine.
Molecular consequence: missense variant.
Genome position (GRCh38, 1-based): chr5:41,158,694, G>C on the plus strand (C>G on the coding strand, the complement: C6 is on the minus strand). VCF-style: chr5-41158694-G-C. GRCh37 (hg19) VCF-style: chr5-41158796-G-C.
Other names: c.1948C>G, p.Pro650Ala (NM_001115131.4); short protein forms P650A.
Identifiers: ClinVar variation 4716823 (VCV004716823.1).